The following is an entry in ClinVar:

ClinVar aggregate classification (germline): Conflicting classifications of pathogenicity. Review status: criteria provided, conflicting classifications (1 of 4 stars). 4 submissions from 4 submitters: Uncertain significance (3); Likely benign (1). Last evaluated 2025-05-27.

Conditions:
RYR1-related disorder. Also called: RYR1-related condition; RYR1-related disorders. Identifiers: MedGen CN239331.

Allele frequency attached by ClinVar (database versions not stated): TOPMed below 0.00001; gnomAD 0.00001; gnomAD exomes 0.00001.
gnomAD v4.1: 12 of 1,500,844 alleles (0.0008%); highest among the groups gnomAD compares: South Asian, 0.0012%; no homozygotes.

Submissions (4):

PreventionGenetics, part of Exact Sciences
Classification: Uncertain significance for RYR1-related condition. Last evaluated: 2025-05-27. Review status: criteria provided, single submitter. Criteria: ACMG Guidelines, 2015. Collection method: clinical testing. Allele origin: germline.
Comment: The RYR1 c.13122G>A variant is not predicted to result in an amino acid change (p.=). This variant is predicted to alter splicing based on available splicing prediction programs (SpliceAI, Jaganathan et al. 2019. PubMed ID: 30661751). However, the use of computer prediction programs is not equivalent to functional evidence. To our knowledge, this variant has not been reported in the literature. This variant is reported in 0.0065% of alleles in individuals of European (Non-Finnish) descent in gnomAD. At this time, the clinical significance of this variant is uncertain due to the absence of conclusive functional and genetic evidence.

Labcorp Genetics (formerly Invitae), Labcorp
Classification: Likely benign for RYR1-related disorder. Last evaluated: 2023-11-17. Review status: criteria provided, single submitter. Criteria: Invitae Variant Classification Sherloc (09022015). Collection method: clinical testing. Allele origin: germline.

GeneDx
Classification: Uncertain significance. Last evaluated: 2019-11-12. Review status: criteria provided, single submitter. Criteria: GeneDx Variant Classification Process June 2021. Collection method: clinical testing. Allele origin: germline. Affected: yes.
Comment: Not observed at a significant frequency in large population cohorts (Lek et al., 2016); Has not been previously published as pathogenic or benign to our knowledge; In silico analysis, which includes splice predictors and evolutionary conservation, suggests this variant may impact gene splicing. In the absence of RNA/functional studies, the actual effect of this sequence change is unknown

Genetic Services Laboratory, University of Chicago
Classification: Uncertain significance. Last evaluated: 2014-10-21. Review status: criteria provided, single submitter. Criteria: ACMG Guidelines, 2015. Collection method: clinical testing. Allele origin: germline.

NM_000540.3(RYR1):c.13122G>A (p.Val4374=)

Gene: RYR1 (ryanodine receptor 1; plus strand). Cytogenetic location: 19q13.2.
Variant type: single nucleotide variant.
Coding change: c.13122G>A on transcript NM_000540.3 (MANE Select); coding-DNA position 13122, G replaced by A.
Protein change: p.Val4374=; no amino-acid change (valine 4374 retained).
Molecular consequence: synonymous variant.
Genome position (GRCh38, 1-based): chr19:38,565,456, G>A. VCF-style: chr19-38565456-G-A. GRCh37 (hg19) VCF-style: chr19-39056096-G-A.
Other names: c.13107G>A, p.Val4369= (NM_001042723.2).
Identifiers: ClinVar variation 212093 (VCV000212093.19), dbSNP rs797045930, ClinGen allele CA205628.